The following is an entry in ClinVar:

ClinVar aggregate classification (germline): Likely benign (1 of 4 stars; one submission).

Submission:

CeGaT Center for Human Genetics Tuebingen
Classification: Likely benign. Last evaluated: 2023-10-01. Review status: criteria provided, single submitter. Criteria: CeGaT Center For Human Genetics Tuebingen Variant Classification Criteria Version 2. Collection method: clinical testing. Allele origin: germline. Affected: yes. Observed: 1 variant allele.
Comment: DHX30: BP4

NM_138615.3(DHX30):c.3088-4G>A

Gene: DHX30 (DExH-box helicase 30; plus strand). Cytogenetic location: 3p21.31.
Variant type: single nucleotide variant.
Coding change: c.3088-4G>A on transcript NM_138615.3 (MANE Select); 4 bases into the intron before coding-DNA position 3088, G replaced by A.
Molecular consequence: intron variant.
Genome position (GRCh38, 1-based): chr3:47,849,447, G>A. VCF-style: chr3-47849447-G-A. GRCh37 (hg19) VCF-style: chr3-47890937-G-A.
Other names: c.3004-4G>A (NM_001330990.2); c.2971-4G>A (NM_014966.4).
Identifiers: ClinVar variation 2653780 (VCV002653780.24), dbSNP rs1332573958, ClinGen allele CA543044024.